The following is an entry in ClinVar:

NM_001042492.3(NF1):c.935dup (p.Ser313fs)

Gene: NF1 (neurofibromin 1; plus strand). Cytogenetic location: 17q11.2.
Variant type: Duplication.
Coding change: c.935dup on transcript NM_001042492.3 (MANE Select); coding-DNA position 935, one base duplicated (G; older notation c.935dupG).
Protein change: p.Ser313fs; shifts the reading frame from serine 313.
Molecular consequence: frameshift variant.
Genome position (GRCh38, 1-based): chr17:31,200,468, G duplicated; the last of 2 consecutive G bases (chr17:31,200,467-31,200,468); duplicating either gives the same sequence. VCF-style (leftmost placement, unchanged base first): chr17-31200466-A-AG. GRCh37 (hg19) VCF-style: chr17-29527484-A-AG.
Other names: c.935dupG (NM_001042492.2); c.935dup, p.Ser313Lysfs (NM_000267.4); c.935dup, p.Ser313fs (NM_001128147.3); short protein forms S313fs.
Identifiers: ClinVar variation 3358707 (VCV003358707.1).
Genomic context (GRCh38, chr17:31,200,466, plus strand): 5'-TATTTGAATTCTGTAGAAGTTATTTCTGGACAGTCTACGAAAAGCTCTTGCTGGCCATGG[A>AG]GGAAGTAGGCAGCTGACAGAAAGTGCTGCAATTGCCTGTGTCAAACTGTGTAAAGCAAGT-3'

ClinVar aggregate classification (germline): Pathogenic (0 of 4 stars; one submission).

Conditions:
NF1-related disorder. Also called: NF1-related condition. Identifiers: MedGen CN379171.

Submission:

PreventionGenetics, part of Exact Sciences
Classification: Pathogenic for NF1-related condition. Last evaluated: 2024-09-14. Review status: no assertion criteria provided. Collection method: clinical testing. Allele origin: germline.
Comment: The NF1 c.935dupG variant is predicted to result in a frameshift and premature protein termination (p.Ser313Lysfs*2). This variant was reported in an individual with neurofibromatosis 1 (Supp. Table S5, Sabbagh et al 2013. PubMed ID: 23913538). This variant has not been reported in a large population database, indicating this variant is rare. Frameshift variants in NF1 are expected to be pathogenic. This variant is interpreted as pathogenic.